The following is an entry in ClinVar:

ClinVar aggregate classification (germline): Uncertain significance (1 of 4 stars; one submission).

gnomAD v4.1: 1 of 1,602,082 alleles (0.000062%); highest among the groups gnomAD compares: East Asian, 0.0022%; no homozygotes.

Submission:

Labcorp Genetics (formerly Invitae), Labcorp
Classification: Uncertain significance. Last evaluated: 2025-08-06. Review status: criteria provided, single submitter. Criteria: Invitae Variant Classification Sherloc (09022015). Collection method: clinical testing. Allele origin: germline.
Comment: This sequence change replaces leucine, which is neutral and non-polar, with valine, which is neutral and non-polar, at codon 370 of the ENPP1 protein (p.Leu370Val). This variant is not present in population databases (gnomAD no frequency). This variant has not been reported in the literature in individuals affected with ENPP1-related conditions. Invitae Evidence Modeling of protein sequence and biophysical properties (such as structural, functional, and spatial information, amino acid conservation, physicochemical variation, residue mobility, and thermodynamic stability) indicates that this missense variant is not expected to disrupt ENPP1 protein function with a negative predictive value of 80%. In summary, the available evidence is currently insufficient to determine the role of this variant in disease. Therefore, it has been classified as a Variant of Uncertain Significance.

NM_006208.3(ENPP1):c.1108C>G (p.Leu370Val)

Gene: ENPP1 (ectonucleotide pyrophosphatase/phosphodiesterase 1; plus strand). Cytogenetic location: 6q23.2.
Variant type: single nucleotide variant.
Coding change: c.1108C>G on transcript NM_006208.3 (MANE Select); coding-DNA position 1108, C replaced by G.
Protein change: p.Leu370Val; replaces leucine 370 with valine.
Molecular consequence: missense variant.
Genome position (GRCh38, 1-based): chr6:131,864,882, C>G. VCF-style: chr6-131864882-C-G. GRCh37 (hg19) VCF-style: chr6-132186022-C-G.
Other names: short protein forms L370V.
Identifiers: ClinVar variation 4746499 (VCV004746499.1).